The following is an entry in ClinVar:

ClinVar aggregate classification (germline): Uncertain significance (1 of 4 stars; one submission).

Allele frequency attached by ClinVar (database versions not stated): gnomAD exomes below 0.00001.
gnomAD v4.1: 2 of 1,614,066 alleles (0.00012%); highest among the groups gnomAD compares: East Asian, 0.0022%; no homozygotes.

Submission:

GeneDx
Classification: Uncertain significance. Last evaluated: 2017-08-04. Review status: criteria provided, single submitter. Criteria: GeneDx Variant Classification (06012015). Collection method: clinical testing. Allele origin: germline. Affected: yes.
Comment: The Q647R variant in the MYO3A gene has not been reported previously as a pathogenic variant, nor as a benign variant, to our knowledge. The Q647R variant is not observed in large population cohorts (Lek et al., 2016; 1000 Genomes Consortium et al., 2015; Exome Variant Server). The Q647R variant is a semi-conservative amino acid substitution, which may impact secondary protein structure as these residues differ in some properties. This substitution occurs at a position that is conserved in mammals, however, in silico analysis is inconsistent in its predictions as to whether or not the variant is damaging to the protein structure/function. We interpret Q647R as a variant of uncertain significance.

NM_017433.5(MYO3A):c.1940A>G (p.Gln647Arg)

Gene: MYO3A (myosin IIIA; plus strand). Cytogenetic location: 10p12.1.
Variant type: single nucleotide variant.
Coding change: c.1940A>G on transcript NM_017433.5 (MANE Select); coding-DNA position 1940, A replaced by G.
Protein change: p.Gln647Arg; replaces glutamine 647 with arginine.
Molecular consequence: missense variant.
Genome position (GRCh38, 1-based): chr10:26,125,434, A>G. VCF-style: chr10-26125434-A-G. GRCh37 (hg19) VCF-style: chr10-26414363-A-G.
Other names: short protein forms Q647R.
Identifiers: ClinVar variation 450917 (VCV000450917.2), dbSNP rs1302697771, ClinGen allele CA376341331.